The following is an entry in ClinVar:

NM_001123385.2(BCOR):c.1058C>T (p.Thr353Ile)

Genes: BCOR (BCL6 corepressor; minus strand), LOC126863239 (MED14-independent group 3 enhancer GRCh37_chrX:39932994-39934193; plus strand). Cytogenetic location: Xp11.4.
Variant type: single nucleotide variant.
Coding change: c.1058C>T on transcript NM_001123385.2 (MANE Select); coding-DNA position 1058, C replaced by T.
Protein change: p.Thr353Ile; replaces threonine 353 with isoleucine.
Molecular consequence: missense variant.
Genome position (GRCh38, 1-based): chrX:40,074,288, G>A on the plus strand (C>T on the coding strand, the complement: BCOR is on the minus strand). VCF-style: chrX-40074288-G-A. GRCh37 (hg19) VCF-style: chrX-39933541-G-A.
Other names: c.1058C>T, p.Thr353Ile (NM_001123383.2, NM_001123384.2, NM_001437510.1 and 4 more transcripts); short protein forms T353I.
Identifiers: ClinVar variation 5009134 (VCV005009134.1).

ClinVar aggregate classification (germline): Uncertain significance (1 of 4 stars; one submission).

Submission:

GeneDx
Classification: Uncertain significance. Last evaluated: 2026-02-15. Review status: criteria provided, single submitter. Criteria: GeneDx Variant Classification Process June 2021. Collection method: clinical testing. Allele origin: germline.
Comment: Not observed at significant frequency in large population cohorts (gnomAD); In silico analysis supports that this missense variant has a deleterious effect on protein structure/function; Has not been previously published as pathogenic or benign to our knowledge